The following is an entry in ClinVar:

ClinVar aggregate classification (germline): Likely benign. Review status: criteria provided, multiple submitters, no conflicts (2 of 4 stars). 2 submissions from 2 submitters: Likely benign (2). Last evaluated 2025-12-26.

Conditions:
MYH9-related disorder. Identifiers: MedGen C1854520.

gnomAD v4.1: 20 of 1,613,618 alleles (0.0012%); highest among the groups gnomAD compares: Non-Finnish European, 0.0014%; no homozygotes.

Submissions (2):

PreventionGenetics, part of Exact Sciences
Classification: Likely benign for MYH9-related condition. Last evaluated: 2025-12-26. Review status: criteria provided, single submitter. Criteria: ACMG Guidelines, 2015. Collection method: clinical testing. Allele origin: germline.
Comment: This variant is classified as likely benign based on ACMG/AMP sequence variant interpretation guidelines (Richards et al. 2015 PMID: 25741868, with internal and published modifications).

Labcorp Genetics (formerly Invitae), Labcorp
Classification: Likely benign. Last evaluated: 2025-06-04. Review status: criteria provided, single submitter. Criteria: Invitae Variant Classification Sherloc (09022015). Collection method: clinical testing. Allele origin: germline.

NM_002473.6(MYH9):c.705+10G>A

Gene: MYH9 (myosin heavy chain 9; minus strand). Cytogenetic location: 22q12.3.
Variant type: single nucleotide variant.
Coding change: c.705+10G>A on transcript NM_002473.6 (MANE Select); 10 bases into the intron after coding-DNA position 705, G replaced by A.
Molecular consequence: intron variant.
Genome position (GRCh38, 1-based): chr22:36,322,419, C>T on the plus strand (G>A on the coding strand, the complement: MYH9 is on the minus strand). VCF-style: chr22-36322419-C-T. GRCh37 (hg19) VCF-style: chr22-36718464-C-T.
Other names: c.705+10G>A (NM_002473.5).
Identifiers: ClinVar variation 4709073 (VCV004709073.2).